The following is an entry in ClinVar:

NM_000271.5(NPC1):c.3760T>A (p.Ser1254Thr)

Gene: NPC1 (NPC intracellular cholesterol transporter 1; minus strand). Cytogenetic location: 18q11.2.
Variant type: single nucleotide variant.
Coding change: c.3760T>A on transcript NM_000271.5 (MANE Select); coding-DNA position 3760, T replaced by A.
Protein change: p.Ser1254Thr; replaces serine 1254 with threonine.
Molecular consequence: missense variant.
Genome position (GRCh38, 1-based): chr18:23,532,279, A>T on the plus strand (T>A on the coding strand, the complement: NPC1 is on the minus strand). VCF-style: chr18-23532279-A-T. GRCh37 (hg19) VCF-style: chr18-21112243-A-T.
Other names: c.3760T>A (NM_000271.4); short protein forms S1254T.
Identifiers: ClinVar variation 808370 (VCV000808370.46), dbSNP rs986146604, ClinGen allele CA297075219.

ClinVar aggregate classification (germline): Uncertain significance. Review status: criteria provided, multiple submitters, no conflicts (2 of 4 stars). 3 submissions from 3 submitters: Uncertain significance (3). Last evaluated 2025-10-13.

Conditions:
Inborn genetic diseases. Identifiers: MedGen C0950123, MeSH D030342.
Niemann-Pick disease, type C1. Also called: NEUROVISCERAL STORAGE DISEASE WITH VERTICAL SUPRANUCLEAR OPHTHALMOPLEGIA; NIEMANN-PICK DISEASE WITH CHOLESTEROL ESTERIFICATION BLOCK; NIEMANN-PICK DISEASE WITHOUT SPHINGOMYELINASE DEFICIENCY; NIEMANN-PICK DISEASE, CHRONIC NEURONOPATHIC FORM; NIEMANN-PICK DISEASE, VARIANT TYPE C1. Identifiers: Orphanet 646, MedGen C3179455, MONDO:0009757, OMIM 257220.

Allele frequency attached by ClinVar (database versions not stated): gnomAD exomes below 0.00001 and 0.00001; TOPMed below 0.00001; gnomAD 0.00001.
gnomAD v4.1: 6 of 1,613,970 alleles (0.00037%); highest among the groups gnomAD compares: Non-Finnish European, 0.00034%; no homozygotes.

Submissions (3):

Labcorp Genetics (formerly Invitae), Labcorp
Classification: Uncertain significance for Niemann-Pick disease, type C1. Last evaluated: 2025-10-13. Review status: criteria provided, single submitter. Criteria: Invitae Variant Classification Sherloc (09022015). Collection method: clinical testing. Allele origin: germline.
Comment: This sequence change replaces serine, which is neutral and polar, with threonine, which is neutral and polar, at codon 1254 of the NPC1 protein (p.Ser1254Thr). This variant is present in population databases (no rsID available, gnomAD 0.0009%). This variant has not been reported in the literature in individuals affected with NPC1-related conditions. ClinVar contains an entry for this variant (Variation ID: 808370). Invitae Evidence Modeling of protein sequence and biophysical properties (such as structural, functional, and spatial information, amino acid conservation, physicochemical variation, residue mobility, and thermodynamic stability) indicates that this missense variant is not expected to disrupt NPC1 protein function with a negative predictive value of 95%. In summary, the available evidence is currently insufficient to determine the role of this variant in disease. Therefore, it has been classified as a Variant of Uncertain Significance.

Ambry Genetics
Classification: Uncertain significance for Inborn genetic diseases. Last evaluated: 2022-12-13. Review status: criteria provided, single submitter. Criteria: Ambry Variant Classification Scheme 2023. Collection method: clinical testing. Allele origin: germline.

CeGaT Center for Human Genetics Tuebingen
Classification: Uncertain significance. Last evaluated: 2019-02-01. Review status: criteria provided, single submitter. Criteria: CeGaT Center For Human Genetics Tuebingen Variant Classification Criteria Version 2. Collection method: clinical testing. Allele origin: germline. Affected: yes. Observed: 1 variant allele.